The following is an entry in ClinVar:

NM_001007553.3(CSDE1):c.2066_2069del (p.Asn689fs)

Gene: CSDE1 (cold shock domain containing E1; minus strand). Cytogenetic location: 1p13.2.
Variant type: Deletion.
Coding change: c.2066_2069del on transcript NM_001007553.3 (MANE Select); coding-DNA positions 2066 to 2069, 4 bases deleted (ACTA; older notation c.2066_2069delACTA).
Protein change: p.Asn689fs; shifts the reading frame from asparagine 689.
Molecular consequence: frameshift variant.
Genome position (GRCh38, 1-based): chr1:114,719,726-114,719,729, TAGT deleted on the plus strand (ACTA on the coding strand, the reverse complement: CSDE1 is on the minus strand); deleting any 4 consecutive bases within chr1:114,719,726-114,719,731 gives the same sequence; the c. name uses the placement nearest the transcript's 3' end. VCF-style (leftmost placement, unchanged base first): chr1-114719725-ATAGT-A. GRCh37 (hg19) VCF-style: chr1-115262346-ATAGT-A.
Other names: c.2111_2114del, p.Asn704fs (NM_001130523.3); c.2204_2207del, p.Asn735fs (NM_001242891.2); c.2066_2069del, p.Asn689fs (NM_001242892.2); c.1973_1976del, p.Asn658fs (NM_001242893.2, NM_007158.6); short protein forms N658fs, N689fs, N704fs, N735fs.
Identifiers: ClinVar variation 1315179 (VCV001315179.6), dbSNP rs2101005817, ClinGen allele CA2573051344.

ClinVar aggregate classification (germline): Pathogenic (1 of 4 stars; one submission).

Submission:

GeneDx
Classification: Pathogenic. Last evaluated: 2025-03-14. Review status: criteria provided, single submitter. Criteria: GeneDx Variant Classification Process June 2021. Collection method: clinical testing. Allele origin: germline. Affected: yes.
Comment: Frameshift variant predicted to result in protein truncation or nonsense mediated decay in a gene for which loss of function is a known mechanism of disease; Not observed at significant frequency in large population cohorts (gnomAD); Has not been previously published as pathogenic or benign to our knowledge